The following is an entry in ClinVar:

ClinVar aggregate classification (germline): Uncertain significance (1 of 4 stars; one submission).

Submission:

GeneDx
Classification: Uncertain significance. Last evaluated: 2023-03-13. Review status: criteria provided, single submitter. Criteria: GeneDx Variant Classification Process June 2021. Collection method: clinical testing. Allele origin: germline. Affected: yes.
Comment: Not observed at significant frequency in large population cohorts (gnomAD); In silico analysis supports that this variant does not alter splicing; Has not been previously published as pathogenic or benign to our knowledge

NM_001330260.2(SCN8A):c.4584C>A (p.Ile1528=)

Gene: SCN8A (sodium voltage-gated channel alpha subunit 8; plus strand). Cytogenetic location: 12q13.13.
Variant type: single nucleotide variant.
Coding change: c.4584C>A on transcript NM_001330260.2 (MANE Select); coding-DNA position 4584, C replaced by A.
Protein change: p.Ile1528=; no amino-acid change (isoleucine 1528 retained).
Molecular consequence: synonymous variant.
Genome position (GRCh38, 1-based): chr12:51,794,430, C>A. VCF-style: chr12-51794430-C-A. GRCh37 (hg19) VCF-style: chr12-52188214-C-A.
Other names: c.4461C>A, p.Ile1487= (NM_001177984.3, NM_001369788.1); c.4584C>A, p.Ile1528= (NM_014191.4).
Identifiers: ClinVar variation 2579984 (VCV002579984.1), dbSNP rs2540315431, ClinGen allele CA480061689.